The following is an entry in ClinVar:

NM_000238.4(KCNH2):c.893C>T (p.Pro298Leu)

Gene: KCNH2 (potassium voltage-gated channel subfamily H member 2; minus strand). Cytogenetic location: 7q36.1.
Variant type: single nucleotide variant.
Coding change: c.893C>T on transcript NM_000238.4 (MANE Select); coding-DNA position 893, C replaced by T.
Protein change: p.Pro298Leu; replaces proline 298 with leucine.
Molecular consequence: missense variant.
Genome position (GRCh38, 1-based): chr7:150,958,082, G>A on the plus strand (C>T on the coding strand, the complement: KCNH2 is on the minus strand). VCF-style: chr7-150958082-G-A. GRCh37 (hg19) VCF-style: chr7-150655170-G-A.
Other names: c.605C>T, p.Pro202Leu (NM_001406753.1, NM_001406756.1); c.716C>T, p.Pro239Leu (NM_001406755.1); c.593C>T, p.Pro198Leu (NM_001406757.1); c.893C>T, p.Pro298Leu (NM_172056.3); short protein forms P239L, P202L, P298L, P198L.
Identifiers: ClinVar variation 1765186 (VCV001765186.6), dbSNP rs1801437902, ClinGen allele CA369862122.

ClinVar aggregate classification (germline): Uncertain significance. Review status: criteria provided, multiple submitters, no conflicts (2 of 4 stars). 2 submissions from 2 submitters: Uncertain significance (2). Last evaluated 2025-03-17.

Conditions:
Cardiovascular phenotype. Identifiers: MedGen CN230736.
Long QT syndrome (LQTS). Identifiers: MedGen C0023976, MeSH D008133, MONDO:0002442. Disease mechanism: loss of function. Inheritance: Various modes of inheritance.

Allele frequency attached by ClinVar (database versions not stated): TOPMed below 0.00001.
gnomAD v4.1: 4 of 1,275,276 alleles (0.00031%); highest among the groups gnomAD compares: African/African-American, 0.0031%; no homozygotes.

Submissions (2):

Ambry Genetics
Classification: Uncertain significance for Cardiovascular phenotype. Last evaluated: 2025-03-17. Review status: criteria provided, single submitter. Criteria: Ambry Variant Classification Scheme 2023. Collection method: clinical testing. Allele origin: germline.
Comment: The p.P298L variant (also known as c.893C>T), located in coding exon 4 of the KCNH2 gene, results from a C to T substitution at nucleotide position 893. The proline at codon 298 is replaced by leucine, an amino acid with similar properties. This amino acid position is not well conserved in available vertebrate species. In addition, the in silico prediction for this alteration is inconclusive. Since supporting evidence is limited at this time, the clinical significance of this alteration remains unclear.

Labcorp Genetics (formerly Invitae), Labcorp
Classification: Uncertain significance for Long QT syndrome. Last evaluated: 2024-01-17. Review status: criteria provided, single submitter. Criteria: Invitae Variant Classification Sherloc (09022015). Collection method: clinical testing. Allele origin: germline.
Comment: This sequence change replaces proline, which is neutral and non-polar, with leucine, which is neutral and non-polar, at codon 298 of the KCNH2 protein (p.Pro298Leu). This variant is not present in population databases (gnomAD no frequency). This variant has not been reported in the literature in individuals affected with KCNH2-related conditions. ClinVar contains an entry for this variant (Variation ID: 1765186). An algorithm developed to predict the effect of missense changes on protein structure and function (PolyPhen-2) suggests that this variant is likely to be tolerated. In summary, the available evidence is currently insufficient to determine the role of this variant in disease. Therefore, it has been classified as a Variant of Uncertain Significance.